The following is an entry in ClinVar:

ClinVar aggregate classification (germline): Uncertain significance (1 of 4 stars; one submission).

gnomAD v4.1: 43 of 1,613,736 alleles (0.0027%); highest among the groups gnomAD compares: Admixed American, 0.033%; no homozygotes.

Submission:

GeneDx
Classification: Uncertain significance. Last evaluated: 2024-04-22. Review status: criteria provided, single submitter. Criteria: GeneDx Variant Classification Process June 2021. Collection method: clinical testing. Allele origin: germline. Affected: yes.
Comment: In silico analysis supports that this missense variant has a deleterious effect on protein structure/function; Has not been previously published as pathogenic or benign to our knowledge

NM_139278.4(LGI3):c.356T>C (p.Ile119Thr)

Gene: LGI3 (leucine rich repeat LGI family member 3; minus strand). Cytogenetic location: 8p21.3.
Variant type: single nucleotide variant.
Coding change: c.356T>C on transcript NM_139278.4 (MANE Select); coding-DNA position 356, T replaced by C.
Protein change: p.Ile119Thr; replaces isoleucine 119 with threonine.
Molecular consequence: missense variant.
Genome position (GRCh38, 1-based): chr8:22,154,208, A>G on the plus strand (T>C on the coding strand, the complement: LGI3 is on the minus strand). VCF-style: chr8-22154208-A-G. GRCh37 (hg19) VCF-style: chr8-22011721-A-G.
Other names: short protein forms I119T.
Identifiers: ClinVar variation 3371681 (VCV003371681.1).